The following is an entry in ClinVar:

NM_001110556.2(FLNA):c.2827G>A (p.Gly943Ser)

Gene: FLNA (filamin A; minus strand). Cytogenetic location: Xq28.
Variant type: single nucleotide variant.
Coding change: c.2827G>A on transcript NM_001110556.2 (MANE Select); coding-DNA position 2827, G replaced by A.
Protein change: p.Gly943Ser; replaces glycine 943 with serine.
Molecular consequence: missense variant.
Genome position (GRCh38, 1-based): chrX:154,361,787, C>T on the plus strand (G>A on the coding strand, the complement: FLNA is on the minus strand). VCF-style: chrX-154361787-C-T. GRCh37 (hg19) VCF-style: chrX-153590155-C-T.
Other names: p.Gly943Ser; c.2827G>A, p.Gly943Ser (NM_001456.4); short protein forms G943S.
Identifiers: ClinVar variation 2683602 (VCV002683602.6), dbSNP rs782563238, ClinGen allele CA10560821.
Genomic context (GRCh38, chrX:154,361,787, plus strand): 5'-CTGAGAAAGGGCTCTTAGGGATGGGATCCCCTCCATAAGTGACATTGACGCCTACTGGAC[C>T]CTGGGAAGGGTGCAGAAGGGAAGGGGGTATTTAGAGACACCAGAATTGCTCCCCAACCCC-3'
Protein context (NP_001104026.1, residues 933-953): YTVKYTPVQQ[Gly943Ser]PVGVNVTYGG

ClinVar aggregate classification (germline): Uncertain significance. Review status: criteria provided, multiple submitters, no conflicts (2 of 4 stars). 4 submissions from 4 submitters: Uncertain significance (4). Last evaluated 2026-08-08.

Conditions:
Familial thoracic aortic aneurysm and aortic dissection (TAAD). Also called: Thoracic aortic aneurysms and dissections. Identifiers: Orphanet 91387, MedGen C4707243, MONDO:0019625.
Heterotopia, periventricular, X-linked dominant (PVNH1). Also called: PERIVENTRICULAR NODULAR HETEROTOPIA 1; X-linked periventricular heterotopia; PERIVENTRICULAR NODULAR HETEROTOPIA 4; HETEROTOPIA, PERIVENTRICULAR, 1. Identifiers: Orphanet 2149, Orphanet 82004, MedGen C1848213, MONDO:0010233, OMIM 300049.
Melnick-Needles syndrome (MNS). Also called: MELNICK-NEEDLES OSTEODYSPLASTY; OSTEODYSPLASTY OF MELNICK AND NEEDLES; Melnick-Needles Syndrome (FLNA-MNS). Identifiers: Orphanet 2484, MedGen C0025237, MONDO:0010650, OMIM 309350.
Frontometaphyseal dysplasia (FMD1). Identifiers: Orphanet 1826, MedGen C0265293, MONDO:0015942.
Oto-palato-digital syndrome, type II (OPD2). Also called: FACIOPALATOOSSEOUS SYNDROME; OPD II SYNDROME; Otopalatodigital Syndrome, Type II; Otopalatodigital Syndrome Type 2 (FLNA-OPD2). Identifiers: Orphanet 669, Orphanet 90652, MedGen C1844696, MONDO:0010571, OMIM 304120.

Allele frequency attached by ClinVar (database versions not stated): TOPMed below 0.00001; ExAC 0.00001; gnomAD exomes below 0.00001.
gnomAD v4.1: 3 of 1,196,040 alleles (0.00025%); highest among the groups gnomAD compares: Admixed American, 0.0065%; no homozygotes.

Submissions (4):

Ambry Genetics
Classification: Uncertain significance for Familial thoracic aortic aneurysm and aortic dissection. Last evaluated: 2026-08-08. Review status: criteria provided, single submitter. Criteria: Ambry Variant Classification Scheme 2023. Collection method: clinical testing. Allele origin: germline.
Comment: The p.G943S variant (also known as c.2827G>A) is located in coding exon 19 of the FLNA gene. The glycine at codon 943 is replaced by serine, an amino acid with similar properties. This change occurs in the first base pair of coding exon 19. This amino acid position is conserved. In addition, this alteration is predicted to be deleterious by in silico analysis. Based on the available evidence, the clinical significance of this variant remains unclear.

GeneDx
Classification: Uncertain significance. Last evaluated: 2026-08-06. Review status: criteria provided, single submitter. Criteria: GeneDx Variant Classification Process June 2021. Collection method: clinical testing. Allele origin: germline.
Comment: In silico analysis supports that this missense variant has a deleterious effect on protein structure/function; Has not been previously published as pathogenic or benign to our knowledge

Labcorp Genetics (formerly Invitae), Labcorp
Classification: Uncertain significance for Oto-palato-digital syndrome, type II; Heterotopia, periventricular, X-linked dominant; Frontometaphyseal dysplasia; Melnick-Needles syndrome. Last evaluated: 2026-01-12. Review status: criteria provided, single submitter. Criteria: Invitae Variant Classification Sherloc (09022015). Collection method: clinical testing. Allele origin: germline.
Comment: This sequence change replaces glycine, which is neutral and non-polar, with serine, which is neutral and polar, at codon 943 of the FLNA protein (p.Gly943Ser). This variant is present in population databases (rs782563238, gnomAD 0.01%). This variant has not been reported in the literature in individuals affected with FLNA-related conditions. ClinVar contains an entry for this variant (Variation ID: 2683602). An algorithm developed to predict the effect of missense changes on protein structure and function (PolyPhen-2) suggests that this variant is likely to be disruptive. In summary, the available evidence is currently insufficient to determine the role of this variant in disease. Therefore, it has been classified as a Variant of Uncertain Significance.

Mayo Clinic Laboratories, Mayo Clinic
Classification: Uncertain significance. Last evaluated: 2022-04-19. Review status: criteria provided, single submitter. Criteria: ACMG Guidelines, 2015. Collection method: clinical testing. Allele origin: germline. Observed: 1 variant allele.
Comment: PP3